The following is an entry in ClinVar:

ClinVar aggregate classification (germline): Conflicting classifications of pathogenicity. Review status: criteria provided, conflicting classifications (1 of 4 stars). 2 submissions from 2 submitters: Likely pathogenic (1); Uncertain significance (1). Last evaluated 2022-10-20.

Conditions:
OBSL1-related disorder. Also called: OBSL1-related condition.

Allele frequency attached by ClinVar (database versions not stated): gnomAD exomes below 0.00001.

Submissions (2):

Labcorp Genetics (formerly Invitae), Labcorp
Classification: Uncertain significance. Last evaluated: 2022-10-20. Review status: criteria provided, single submitter. Criteria: Invitae Variant Classification Sherloc (09022015). Collection method: clinical testing. Allele origin: germline.
Comment: This sequence change creates a premature translational stop signal (p.Leu945Serfs*53) in the OBSL1 gene. However, it is currently unclear if variants that occur in this region of the gene cause disease. This variant is not present in population databases (gnomAD no frequency). In summary, the available evidence is currently insufficient to determine the role of this variant in disease. Therefore, it has been classified as a Variant of Uncertain Significance. This variant has not been reported in the literature in individuals affected with OBSL1-related conditions.

Blueprint Genetics
Classification: Likely pathogenic for OBSL1-related disorders. Last evaluated: 2022-09-08. Review status: criteria provided, single submitter. Criteria: ACMG Guidelines, 2015. Collection method: clinical testing. Allele origin: germline. Affected: yes. Observed: 1 variant allele.

NM_015311.3(OBSL1):c.2833del (p.Leu945fs)

Gene: OBSL1 (obscurin like cytoskeletal adaptor 1; minus strand). Cytogenetic location: 2q35.
Variant type: Deletion.
Coding change: c.2833del on transcript NM_015311.3 (MANE Select); coding-DNA position 2833, one base deleted (C; older notation c.2833delC).
Protein change: p.Leu945fs; shifts the reading frame from leucine 945.
Molecular consequence: frameshift variant.
Genome position (GRCh38, 1-based): chr2:219,562,522, G deleted on the plus strand (C on the coding strand, the reverse complement: OBSL1 is on the minus strand). VCF-style (leftmost placement, unchanged base first): chr2-219562521-AG-A. GRCh37 (hg19) VCF-style: chr2-220427243-AG-A.
Other names: c.2833del, p.Leu945fs (NM_001173408.2, NM_001173431.2); short protein forms L945fs.
Identifiers: ClinVar variation 2801579 (VCV002801579.4), dbSNP rs2546272700, ClinGen allele CA2663296330.